The following is an entry in ClinVar:

ClinVar aggregate classification (germline): Uncertain significance (1 of 4 stars; one submission).

Conditions:
Inborn genetic diseases. Identifiers: MedGen C0950123, MeSH D030342.

Submission:

Ambry Genetics
Classification: Uncertain significance for Inborn genetic diseases. Last evaluated: 2026-02-16. Review status: criteria provided, single submitter. Criteria: Ambry Variant Classification Scheme 2023. Collection method: clinical testing. Allele origin: germline.
Comment: The p.G607S variant (also known as c.1819G>A), located in coding exon 18 of the ANKRD26 gene, results from a G to A substitution at nucleotide position 1819. The glycine at codon 607 is replaced by serine, an amino acid with similar properties. This amino acid position is conserved. In addition, this alteration is predicted to be tolerated by in silico analysis. Based on the available evidence, the clinical significance of this variant remains unclear.

NM_014915.3(ANKRD26):c.1819G>A (p.Gly607Ser)

Gene: ANKRD26 (ankyrin repeat domain 26; minus strand). Cytogenetic location: 10p12.1.
Variant type: single nucleotide variant.
Coding change: c.1819G>A on transcript NM_014915.3 (MANE Select); coding-DNA position 1819, G replaced by A.
Protein change: p.Gly607Ser; replaces glycine 607 with serine.
Molecular consequence: missense variant.
Genome position (GRCh38, 1-based): chr10:27,046,519, C>T on the plus strand (G>A on the coding strand, the complement: ANKRD26 is on the minus strand). VCF-style: chr10-27046519-C-T. GRCh37 (hg19) VCF-style: chr10-27335448-C-T.
Other names: c.1816G>A, p.Gly606Ser (NM_001256053.2); short protein forms G606S, G607S.
Identifiers: ClinVar variation 4845146 (VCV004845146.1).